The following is an entry in ClinVar:

ClinVar aggregate classification (germline): Uncertain significance (1 of 4 stars; one submission).

Conditions:
Cohen syndrome (COH1). Also called: PEPPER SYNDROME; Cutis verticis gyrata, retinitis pigmentosa, and sensorineural deafness. Identifiers: Orphanet 193, MedGen C0265223, MONDO:0008999, OMIM 216550.

Submission:

Labcorp Genetics (formerly Invitae), Labcorp
Classification: Uncertain significance for Cohen syndrome. Last evaluated: 2024-01-18. Review status: criteria provided, single submitter. Criteria: Invitae Variant Classification Sherloc (09022015). Collection method: clinical testing. Allele origin: germline.
Comment: This sequence change replaces aspartic acid, which is acidic and polar, with alanine, which is neutral and non-polar, at codon 1990 of the VPS13B protein (p.Asp1990Ala). This variant is not present in population databases (gnomAD no frequency). This variant has not been reported in the literature in individuals affected with VPS13B-related conditions. Advanced modeling of protein sequence and biophysical properties (such as structural, functional, and spatial information, amino acid conservation, physicochemical variation, residue mobility, and thermodynamic stability) performed at Invitae indicates that this missense variant is expected to disrupt VPS13B protein function with a positive predictive value of 80%. In summary, the available evidence is currently insufficient to determine the role of this variant in disease. Therefore, it has been classified as a Variant of Uncertain Significance.

NM_152564.5(VPS13B):c.5894A>C (p.Asp1965Ala)

Gene: VPS13B (vacuolar protein sorting 13 homolog B; plus strand). Cytogenetic location: 8q22.2.
Variant type: single nucleotide variant.
Coding change: c.5894A>C on transcript NM_152564.5 (MANE Select); coding-DNA position 5894, A replaced by C.
Protein change: p.Asp1965Ala; replaces aspartic acid 1965 with alanine.
Molecular consequence: missense variant.
Genome position (GRCh38, 1-based): chr8:99,642,484, A>C. VCF-style: chr8-99642484-A-C. GRCh37 (hg19) VCF-style: chr8-100654712-A-C.
Other names: c.5969A>C, p.Asp1990Ala (NM_017890.5); short protein forms D1990A, D1965A.
Identifiers: ClinVar variation 2786739 (VCV002786739.3), dbSNP rs2491208964, ClinGen allele CA371873587.
Genomic context (GRCh38, chr8:99,642,484, plus strand): 5'-ACAGAAAGCAGCGAGTGGAAGTATCCATTTTTGATGCTGTGCTTAAAGGGGTGGCCTCTG[A>C]TTACAAATGTATAGGTAAGAACCTTCAAACTTACTGGAGTGCTAATAATTACTATCTAAT-3'
Protein context (NP_689777.3, residues 1955-1975): FDAVLKGVAS[Asp1965Ala]YKCIDPGKTL